The following is an entry in ClinVar:

ClinVar aggregate classification (germline): Likely benign. Review status: criteria provided, multiple submitters, no conflicts (2 of 4 stars). 2 submissions from 2 submitters: Likely benign (2). Last evaluated 2025-05-20.

gnomAD v4.1: 2 of 1,613,400 alleles (0.00012%); highest among the groups gnomAD compares: Non-Finnish European, 0.00017%; no homozygotes.

Submissions (2):

Women's Health and Genetics/Laboratory Corporation of America, LabCorp
Classification: Likely benign. Last evaluated: 2025-05-20. Review status: criteria provided, single submitter. Criteria: LabCorp Variant Classification Summary - May 2015. Collection method: clinical testing. Allele origin: germline.
Comment: Variant summary: RAI1 c.3964C>A alters a conserved nucleotide resulting in a synonymous change. Consensus agreement among computation tools predict no significant impact on normal splicing. However, these predictions have yet to be confirmed by functional studies. The variant was absent in 250016 control chromosomes. The available data on variant occurrences in the general population are insufficient to allow any conclusion about variant significance. To our knowledge, no occurrence of c.3964C>A in individuals affected with Smith-Magenis Syndrome and no experimental evidence demonstrating its impact on protein function have been reported. ClinVar contains an entry for this variant (Variation ID: 2702662). Based on the evidence outlined above, the variant was classified as likely benign.

Labcorp Genetics (formerly Invitae), Labcorp
Classification: Likely benign. Last evaluated: 2023-12-13. Review status: criteria provided, single submitter. Criteria: Invitae Variant Classification Sherloc (09022015). Collection method: clinical testing. Allele origin: germline.

NM_030665.4(RAI1):c.3964C>A (p.Arg1322=)

Gene: RAI1 (retinoic acid induced 1; plus strand). Cytogenetic location: 17p11.2.
Variant type: single nucleotide variant.
Coding change: c.3964C>A on transcript NM_030665.4 (MANE Select); coding-DNA position 3964, C replaced by A.
Protein change: p.Arg1322=; no amino-acid change (arginine 1322 retained).
Molecular consequence: synonymous variant.
Genome position (GRCh38, 1-based): chr17:17,796,912, C>A. VCF-style: chr17-17796912-C-A. GRCh37 (hg19) VCF-style: chr17-17700226-C-A.
Identifiers: ClinVar variation 2702662 (VCV002702662.4), dbSNP rs2543616595, ClinGen allele CA498424950.